The following is an entry in ClinVar:

ClinVar aggregate classification (germline): Uncertain significance. Review status: criteria provided, multiple submitters, no conflicts (2 of 4 stars). 2 submissions from 2 submitters: Uncertain significance (2). Last evaluated 2024-10-22.

Conditions:
Wiskott-Aldrich syndrome 2 (WAS2). Also called: WIPF1 DEFICIENCY. Identifiers: Orphanet 906, MedGen C3281001, MONDO:0013779, OMIM 614493.

Allele frequency attached by ClinVar (database versions not stated): gnomAD 0.00004; gnomAD exomes 0.00006 and 0.00008; TOPMed 0.00006; ExAC 0.00008; ESP Exome Variant Server 0.00008.
gnomAD v4.1: 95 of 1,611,252 alleles (0.0059%); highest among the groups gnomAD compares: Middle Eastern, 0.05%; no homozygotes.

Submissions (2):

Labcorp Genetics (formerly Invitae), Labcorp
Classification: Uncertain significance for Wiskott-Aldrich syndrome 2. Last evaluated: 2024-10-22. Review status: criteria provided, single submitter. Criteria: Invitae Variant Classification Sherloc (09022015). Collection method: clinical testing. Allele origin: germline.
Comment: This sequence change replaces proline, which is neutral and non-polar, with leucine, which is neutral and non-polar, at codon 432 of the WIPF1 protein (p.Pro432Leu). This variant is present in population databases (rs148300861, gnomAD 0.02%). This variant has not been reported in the literature in individuals affected with WIPF1-related conditions. ClinVar contains an entry for this variant (Variation ID: 968112). An algorithm developed to predict the effect of missense changes on protein structure and function (PolyPhen-2) suggests that this variant is likely to be disruptive. In summary, the available evidence is currently insufficient to determine the role of this variant in disease. Therefore, it has been classified as a Variant of Uncertain Significance.

Breakthrough Genomics
Classification: Uncertain significance. Review status: criteria provided, single submitter. Criteria: ACMG Guidelines, 2015. Collection method: not provided. Allele origin: germline. Inheritance: Autosomal recessive inheritance. Affected: yes.

NM_001375834.1(WIPF1):c.1295C>T (p.Pro432Leu)

Gene: WIPF1 (WAS/WASL interacting protein family member 1; minus strand). Cytogenetic location: 2q31.1.
Variant type: single nucleotide variant.
Coding change: c.1295C>T on transcript NM_001375834.1 (MANE Select); coding-DNA position 1295, C replaced by T.
Protein change: p.Pro432Leu; replaces proline 432 with leucine.
Molecular consequence: missense variant.
Genome position (GRCh38, 1-based): chr2:174,567,908, G>A on the plus strand (C>T on the coding strand, the complement: WIPF1 is on the minus strand). VCF-style: chr2-174567908-G-A. GRCh37 (hg19) VCF-style: chr2-175432636-G-A.
Other names: c.1295C>T, p.Pro432Leu (NM_001077269.1, NM_001375832.1, NM_001375833.1 and 2 more transcripts); c.917C>T, p.Pro306Leu (NM_001375839.1); short protein forms P432L, P306L.
Identifiers: ClinVar variation 968112 (VCV000968112.10), dbSNP rs148300861, ClinGen allele CA1973939.